The following is an entry in ClinVar:

ClinVar aggregate classification (germline): Conflicting classifications of pathogenicity. Review status: criteria provided, conflicting classifications (1 of 4 stars). 2 submissions from 2 submitters: Uncertain significance (1); Likely benign (1). Last evaluated 2024-04-11.

Conditions:
Congenital contractural arachnodactyly (CCA). Also called: Beals-Hecht syndrome; BEALS SYNDROME; Arthrogryposis, distal, type 9. Identifiers: Orphanet 115, MedGen C0220668, MONDO:0007363, OMIM 121050.

Allele frequency attached by ClinVar (database versions not stated): gnomAD exomes below 0.00001; TOPMed below 0.00001.
gnomAD v4.1: 1 of 1,613,456 alleles (0.000062%); highest among the groups gnomAD compares: Non-Finnish European, 0.000085%; no homozygotes.

Submissions (2):

Labcorp Genetics (formerly Invitae), Labcorp
Classification: Uncertain significance for Congenital contractural arachnodactyly. Last evaluated: 2024-04-11. Review status: criteria provided, single submitter. Criteria: Invitae Variant Classification Sherloc (09022015). Collection method: clinical testing. Allele origin: germline.
Comment: This sequence change replaces glutamic acid, which is acidic and polar, with lysine, which is basic and polar, at codon 2019 of the FBN2 protein (p.Glu2019Lys). This variant is not present in population databases (gnomAD no frequency). This missense change has been observed in individuals with clinical features of congenital contractural arachnodactyly and/or thoracic aortic aneurysm and/or dissection (PMID: 29907982; Invitae). ClinVar contains an entry for this variant (Variation ID: 458775). Advanced modeling of protein sequence and biophysical properties (such as structural, functional, and spatial information, amino acid conservation, physicochemical variation, residue mobility, and thermodynamic stability) performed at Invitae indicates that this missense variant is expected to disrupt FBN2 protein function with a positive predictive value of 80%. This variant disrupts the p.Glu2019 amino acid residue in FBN2. Other variant(s) that disrupt this residue have been observed in individuals with FBN2-related conditions (Invitae), which suggests that this may be a clinically significant amino acid residue. In summary, the available evidence is currently insufficient to determine the role of this variant in disease. Therefore, it has been classified as a Variant of Uncertain Significance.

Victorian Clinical Genetics Services, Murdoch Childrens Research Institute
Classification: Likely benign for Congenital contractural arachnodactyly. Last evaluated: 2022-02-02. Review status: criteria provided, single submitter. Criteria: ACMG Guidelines, 2015. Collection method: clinical testing. Allele origin: germline. Inheritance: Autosomal dominant inheritance.
Comment: Based on the classification scheme VCGS_Germline_v1.3.4, this variant is classified as Likely Benign. Following criteria are met: 0105 - The mechanism of disease for this gene is not clearly established. However, dominant-negative is a suggested mechanism for congenital contractural arachnodactyly (MIM#121050) (PMID: 31316167). (I) 0107 - This gene is associated with autosomal dominant disease. (I) 0115 - Variants in this gene are known to have variable expressivity. Both inter and intra-famiial variability has been reported (GeneReviews). (I) 0200 - Variant is predicted to result in a missense amino acid change from glutamic acid to lysine. (I) 0251 - This variant is heterozygous. (I) 0301 - Variant is absent from gnomAD (both v2 and v3). (SP) 0502 - Missense variant with conflicting in silico predictions and uninformative conservation. (I) 0600 - Variant is located in the annotated EGF-like repeat (uniprot, NCBI, DECIPHER). (I) 0710 - Another missense variant comparable to the one identified in this case has inconclusive previous evidence for pathogenicity. p.(Glu2019Gly) has been classified as a variant of uncertain significance by a diagnostic laboratory in ClinVar. (I) 0809 - Previous evidence of pathogenicity for this variant is inconclusive. It has been reported in an individual with FBN2-related disorder (PMID: 29907982). In addition, it has been classified as a variant of uncertain significance by a diagnostic laboratory in ClinVar. (I) 0904 - Non-segregation of this variant with the phenotype under investigation has been clearly demonstrated. The variant has previously been reported to be inherited from an individual's unaffected mother (PMID: 29907982). (SB) 1007 - No published functional evidence has been identified for this variant. (I) 1208 - Inheritance information for this variant is not currently available in this individual. (I) Legend: (SP) - Supporting pathogenic, (I) - Information, (SB) - Supporting benign

Literature cited by the submitters: PubMed 29907982 (cited by Labcorp Genetics (formerly Invitae), Labcorp and Victorian Clinical Genetics Services, Murdoch Childrens Research Institute); PubMed 31316167 (cited by Victorian Clinical Genetics Services, Murdoch Childrens Research Institute).

NM_001999.4(FBN2):c.6055G>A (p.Glu2019Lys)

Gene: FBN2 (fibrillin 2; minus strand). Cytogenetic location: 5q23.3.
Variant type: single nucleotide variant.
Coding change: c.6055G>A on transcript NM_001999.4 (MANE Select); coding-DNA position 6055, G replaced by A.
Protein change: p.Glu2019Lys; replaces glutamic acid 2019 with lysine.
Molecular consequence: missense variant.
Genome position (GRCh38, 1-based): chr5:128,300,928, C>T on the plus strand (G>A on the coding strand, the complement: FBN2 is on the minus strand). VCF-style: chr5-128300928-C-T. GRCh37 (hg19) VCF-style: chr5-127636620-C-T.
Other names: short protein forms E2019K.
Identifiers: ClinVar variation 458775 (VCV000458775.12), dbSNP rs1554119321, ClinGen allele CA360766610.